The following is an entry in ClinVar:

ClinVar aggregate classification (germline): Uncertain significance. Review status: criteria provided, multiple submitters, no conflicts (2 of 4 stars). 5 submissions from 5 submitters: Uncertain significance (5). Last evaluated 2026-08-07.

Conditions:
APC-related disorder. Also called: APC-related condition.
Hereditary cancer-predisposing syndrome. Also called: Neoplastic Syndromes, Hereditary; Tumor predisposition; Hereditary Cancer Syndrome; Hereditary neoplastic syndrome. Identifiers: Orphanet 140162, MedGen C0027672, MeSH D009386, MONDO:0015356.
Familial adenomatous polyposis 1 (FAP1). Also called: FAMILIAL ADENOMATOUS POLYPOSIS 1, ATTENUATED; POLYPOSIS, ADENOMATOUS INTESTINAL. Identifiers: MedGen C2713442, MONDO:0021056, OMIM 175100. Disease mechanism: loss of function.

Allele frequency attached by ClinVar (database versions not stated): gnomAD exomes below 0.00001.
gnomAD v4.1: 7 of 1,613,994 alleles (0.00043%); highest among the groups gnomAD compares: Non-Finnish European, 0.00042%; no homozygotes.

Submissions (5):

PreventionGenetics, part of Exact Sciences
Classification: Uncertain significance for APC-related condition. Last evaluated: 2026-08-07. Review status: criteria provided, single submitter. Criteria: ACMG Guidelines, 2015. Collection method: clinical testing. Allele origin: germline.
Comment: The APC c.7867A>G variant is predicted to result in the amino acid substitution p.Thr2623Ala. To our knowledge, this variant has not been reported in the literature. This variant is reported in 0.00088% of alleles in individuals of European (Non-Finnish) descent in gnomAD. This variant is interpreted as uncertain in ClinVar (Variation ID: 411551). At this time, the clinical significance of this variant is uncertain due to the absence of conclusive functional and genetic evidence.

Color Diagnostics, LLC DBA Color Health
Classification: Uncertain significance for Hereditary cancer-predisposing syndrome. Last evaluated: 2025-07-29. Review status: criteria provided, single submitter. Criteria: ACMG Guidelines, 2015. Collection method: clinical testing. Allele origin: germline.
Comment: This missense variant replaces threonine with alanine at codon 2623 of the APC protein. Computational prediction suggests that this variant may not impact protein structure and function. To our knowledge, functional studies have not been reported for this variant. This variant has not been reported in individuals affected with APC-related disorders in the literature. This variant has been identified in 1/250078 chromosomes in the general population by the Genome Aggregation Database (gnomAD). The available evidence is insufficient to determine the role of this variant in disease conclusively. Therefore, this variant is classified as a Variant of Uncertain Significance.

Labcorp Genetics (formerly Invitae), Labcorp
Classification: Uncertain significance for Familial adenomatous polyposis 1. Last evaluated: 2025-07-16. Review status: criteria provided, single submitter. Criteria: Invitae Variant Classification Sherloc (09022015). Collection method: clinical testing. Allele origin: germline.
Comment: This sequence change replaces threonine, which is neutral and polar, with alanine, which is neutral and non-polar, at codon 2623 of the APC protein (p.Thr2623Ala). This variant is present in population databases (no rsID available, gnomAD 0.0009%). This variant has not been reported in the literature in individuals affected with APC-related conditions. ClinVar contains an entry for this variant (Variation ID: 411551). Invitae Evidence Modeling of protein sequence and biophysical properties (such as structural, functional, and spatial information, amino acid conservation, physicochemical variation, residue mobility, and thermodynamic stability) indicates that this missense variant is not expected to disrupt APC protein function with a negative predictive value of 95%. In summary, the available evidence is currently insufficient to determine the role of this variant in disease. Therefore, it has been classified as a Variant of Uncertain Significance.

Center for Genomic Medicine, Rigshospitalet, Copenhagen University Hospital
Classification: Uncertain significance. Last evaluated: 2025-03-04. Review status: criteria provided, single submitter. Criteria: ACMG Guidelines, 2015. Collection method: clinical testing. Allele origin: germline.

Ambry Genetics
Classification: Uncertain significance for Hereditary cancer-predisposing syndrome. Last evaluated: 2022-03-16. Review status: criteria provided, single submitter. Criteria: Ambry Variant Classification Scheme 2023. Collection method: clinical testing. Allele origin: germline.
Comment: The p.T2623A variant (also known as c.7867A>G), located in coding exon 15 of the APC gene, results from an A to G substitution at nucleotide position 7867. The threonine at codon 2623 is replaced by alanine, an amino acid with similar properties. This amino acid position is not well conserved in available vertebrate species. In addition, in silico predictors for this gene do not accurately predict pathogenicity. Since supporting evidence is limited at this time, the clinical significance of this alteration remains unclear.

NM_000038.6(APC):c.7867A>G (p.Thr2623Ala)

Gene: APC (APC regulator of Wnt signaling pathway; plus strand). Cytogenetic location: 5q22.2.
Variant type: single nucleotide variant.
Coding change: c.7867A>G on transcript NM_000038.6 (MANE Select); coding-DNA position 7867, A replaced by G.
Protein change: p.Thr2623Ala; replaces threonine 2623 with alanine.
Molecular consequence: missense variant.
Genome position (GRCh38, 1-based): chr5:112,843,461, A>G. VCF-style: chr5-112843461-A-G. GRCh37 (hg19) VCF-style: chr5-112179158-A-G.
Other names: c.7018A>G, p.Thr2340Ala (NM_001354906.2); c.7867A>G, p.Thr2623Ala (NM_001127510.3, NM_001354895.2); c.7813A>G, p.Thr2605Ala (NM_001127511.3); c.7921A>G, p.Thr2641Ala (NM_001354896.2); c.7897A>G, p.Thr2633Ala (NM_001354897.2); c.7792A>G, p.Thr2598Ala (NM_001354898.2); c.7783A>G, p.Thr2595Ala (NM_001354899.2); c.7744A>G, p.Thr2582Ala (NM_001354900.2); and 5 more; short protein forms T2605A, T2623A, T2633A, T2582A, T2340A, T2463A, T2497A, T2532A.
Identifiers: ClinVar variation 411551 (VCV000411551.19), dbSNP rs1060503368, ClinGen allele CA16038426.